The following is an entry in ClinVar:

ClinVar aggregate classification (germline): Likely pathogenic (1 of 4 stars; one submission).

Conditions:
PHGDH deficiency. Identifiers: Orphanet 79351, MedGen C1866174, MONDO:0011152, OMIM 601815.

Submission:

Natera, Inc.
Classification: Likely pathogenic for Phosphoglycerate dehydrogenase deficiency. Last evaluated: 2024-02-26. Review status: criteria provided, single submitter. Criteria: Natera Variant Classification Schema (03/2026). Collection method: clinical testing. Allele origin: germline.
Comment: The c.1037G>A variant in PHGDH is a nonsense variant predicted to introduce a stop codon at amino acid 346. This variant is expected to result in nonsense mediated decay, truncation, or a dysfunctional protein product. This variant is rare in the general population with a frequency below the threshold expected for the associated phenotype(s). Given the available evidence, this variant is classified as Likely Pathogenic.

NM_006623.4(PHGDH):c.1037G>A (p.Trp346Ter)

Gene: PHGDH (phosphoglycerate dehydrogenase; plus strand). Cytogenetic location: 1p12.
Variant type: single nucleotide variant.
Coding change: c.1037G>A on transcript NM_006623.4 (MANE Select); coding-DNA position 1037, G replaced by A.
Protein change: p.Trp346Ter; replaces tryptophan 346 with a stop codon.
Molecular consequence: nonsense.
Genome position (GRCh38, 1-based): chr1:119,740,477, G>A. VCF-style: chr1-119740477-G-A. GRCh37 (hg19) VCF-style: chr1-120283100-G-A.
Other names: short protein forms W346*.
Identifiers: ClinVar variation 4815518 (VCV004815518.1).